The following is an entry in ClinVar:

NM_201384.3(PLEC):c.7578G>C (p.Lys2526Asn)

Gene: PLEC (plectin; minus strand). Cytogenetic location: 8q24.3.
Variant type: single nucleotide variant.
Coding change: c.7578G>C on transcript NM_201384.3 (MANE Select); coding-DNA position 7578, G replaced by C.
Protein change: p.Lys2526Asn; replaces lysine 2526 with asparagine.
Molecular consequence: missense variant.
Genome position (GRCh38, 1-based): chr8:143,922,243, C>G on the plus strand (G>C on the coding strand, the complement: PLEC is on the minus strand). VCF-style: chr8-143922243-C-G. GRCh37 (hg19) VCF-style: chr8-144996411-C-G.
Other names: c.7659G>C, p.Lys2553Asn (NM_000445.5); c.7536G>C, p.Lys2512Asn (NM_201378.4); c.7512G>C, p.Lys2504Asn (NM_201379.3); c.7989G>C, p.Lys2663Asn (NM_201380.4); c.7482G>C, p.Lys2494Asn (NM_201381.3); c.7578G>C, p.Lys2526Asn (NM_201382.4); c.7590G>C, p.Lys2530Asn (NM_201383.3); short protein forms K2526N, K2504N, K2512N, K2494N, K2530N, K2663N, K2553N.
Identifiers: ClinVar variation 640906 (VCV000640906.6), dbSNP rs782348688, ClinGen allele CA372524343.
Genomic context (GRCh38, chr8:143,922,243, plus strand): 5'-CTGCCGTTCCTGCTCCATCTGCTGCTGCTGCCGCTGCTGCTCCTCACGCAGCTGCTGTGC[C>G]TTGGCCACCTCGTCCTGGAAGAGCTGCTCCAGCTTGGCCTTCTCCTGCTCGATGAAGCGC-3'
Protein context (NP_958786.1, residues 2516-2536): LEQLFQDEVA[Lys2526Asn]AQQLREEQQR

ClinVar aggregate classification (germline): Uncertain significance (1 of 4 stars; one submission).

Conditions:
Epidermolysis bullosa simplex, Ogna type (EBS5A). Also called: Pidermolysis bullosa simplex 5A, Ogna type; EPIDERMOLYSIS BULLOSA SIMPLEX 5A, OGNA TYPE. Identifiers: Orphanet 79401, MedGen C0432317, MONDO:0007555, OMIM 131950.
Autosomal recessive limb-girdle muscular dystrophy type 2Q (LGMDR17). Also called: MUSCULAR DYSTROPHY, LIMB-GIRDLE, AUTOSOMAL RECESSIVE 17. Identifiers: Orphanet 254361, MedGen C3150989, MONDO:0013390, OMIM 613723.
Epidermolysis bullosa simplex with nail dystrophy (EBS5D). Identifiers: MedGen C4225309, MONDO:0014661, OMIM 616487.
Epidermolysis bullosa simplex 5B, with muscular dystrophy (EBS5B). Also called: Epidermolysis bullosa simplex with muscular dystrophy; EPIDERMOLYSIS BULLOSA SIMPLEX AND LIMB-GIRDLE MUSCULAR DYSTROPHY. Identifiers: Orphanet 257, MedGen C2931072, MONDO:0009181, OMIM 226670.
Epidermolysis bullosa simplex 5C, with pyloric atresia (EBS5C). Also called: PLEC-Related Epidermolysis Bullosa with Pyloric Atresia; Epidermolysis bullosa simplex with pyloric atresia; PLEC1-Related Epidermolysis Bullosa with Pyloric Atresia. Identifiers: Orphanet 158684, MedGen C2677349, MONDO:0012807, OMIM 612138.

Submission:

Labcorp Genetics (formerly Invitae), Labcorp
Classification: Uncertain significance for Autosomal recessive limb-girdle muscular dystrophy type 2Q; Epidermolysis bullosa simplex, Ogna type; Epidermolysis bullosa simplex with nail dystrophy; Epidermolysis bullosa simplex 5C, with pyloric atresia; Epidermolysis bullosa simplex 5B, with muscular dystrophy. Last evaluated: 2024-07-02. Review status: criteria provided, single submitter. Criteria: Invitae Variant Classification Sherloc (09022015). Collection method: clinical testing. Allele origin: germline.
Comment: This sequence change replaces lysine, which is basic and polar, with asparagine, which is neutral and polar, at codon 2553 of the PLEC protein (p.Lys2553Asn). This variant is not present in population databases (gnomAD no frequency). This variant has not been reported in the literature in individuals affected with PLEC-related conditions. ClinVar contains an entry for this variant (Variation ID: 640906). Advanced modeling of protein sequence and biophysical properties (such as structural, functional, and spatial information, amino acid conservation, physicochemical variation, residue mobility, and thermodynamic stability) has been performed at Invitae for this missense variant, however the output from this modeling did not meet the statistical confidence thresholds required to predict the impact of this variant on PLEC protein function. In summary, the available evidence is currently insufficient to determine the role of this variant in disease. Therefore, it has been classified as a Variant of Uncertain Significance.